The following is an entry in ClinVar:

NM_024665.7(TBL1XR1):c.342_350del (p.Ala116_Ala118del)

Gene: TBL1XR1 (TBL1X/Y related 1; minus strand). Cytogenetic location: 3q26.32.
Variant type: Deletion.
Coding change: c.342_350del on transcript NM_024665.7 (MANE Select); coding-DNA positions 342 to 350, 9 bases deleted (CGCAGCTGC; older notation c.342_350delCGCAGCTGC).
Protein change: p.Ala116_Ala118del.
Molecular consequence: inframe deletion.
Genome position (GRCh38, 1-based): chr3:177,051,581-177,051,589, GCAGCTGCG deleted on the plus strand (CGCAGCTGC on the coding strand, the reverse complement: TBL1XR1 is on the minus strand); deleting any 9 consecutive bases within chr3:177,051,581-177,051,597 gives the same sequence; the c. name uses the placement nearest the transcript's 3' end. VCF-style (leftmost placement, unchanged base first): chr3-177051580-TGCAGCTGCG-T. GRCh37 (hg19) VCF-style: chr3-176769368-TGCAGCTGCG-T.
Other names: c.342_350del, p.Ala116_Ala118del (NM_001321193.3, NM_001321194.3, NM_001374327.1 and 2 more transcripts); c.81_89del, p.Ala29_Ala31del (NM_001321195.3, NM_001374330.1).
Identifiers: ClinVar variation 1037457 (VCV001037457.6), dbSNP rs746988856, ClinGen allele CA2709998.

ClinVar aggregate classification (germline): Uncertain significance (1 of 4 stars; one submission).

Conditions:
Pierpont syndrome (PRPTS). Identifiers: Orphanet 487825, MedGen C1865644, MONDO:0011213, OMIM 602342.

Submission:

Labcorp Genetics (formerly Invitae), Labcorp
Classification: Uncertain significance for Pierpont syndrome. Last evaluated: 2021-08-31. Review status: criteria provided, single submitter. Criteria: Invitae Variant Classification Sherloc (09022015). Collection method: clinical testing. Allele origin: germline.
Comment: This variant, c.342_350del, results in the deletion of 3 amino acid(s) of the TBL1XR1 protein (p.Ala116_Ala118del), but otherwise preserves the integrity of the reading frame. This variant is present in population databases (rs746988856, ExAC 0.005%). This variant has not been reported in the literature in individuals affected with TBL1XR1-related conditions. Experimental studies and prediction algorithms are not available or were not evaluated, and the functional significance of this variant is currently unknown. In summary, the available evidence is currently insufficient to determine the role of this variant in disease. Therefore, it has been classified as a Variant of Uncertain Significance.